The following is an entry in ClinVar:

ClinVar aggregate classification (germline): Benign/Likely benign. Review status: criteria provided, multiple submitters, no conflicts (2 of 4 stars). 10 submissions from 10 submitters: Benign (3); Likely benign (4). 3 of the submissions do not count toward it. Last evaluated 2026-02-04.

Conditions:
Hermansky-Pudlak syndrome (HPS). Also called: ALBINISM WITH HEMORRHAGIC DIATHESIS AND PIGMENTED RETICULOENDOTHELIAL CELLS. Identifiers: Orphanet 79430, MedGen C0079504, MONDO:0019312.
Hermansky-Pudlak syndrome 3 (HPS3). Identifiers: Orphanet 231512, Orphanet 79430, MedGen C3888001, MONDO:0013555, OMIM 614072.

Allele frequency attached by ClinVar (database versions not stated): ExAC 0.00331; ESP Exome Variant Server 0.00392; gnomAD exomes 0.00479 and 0.00308; 1000 Genomes Project 30x 0.00156; 1000 Genomes Project 0.00200; TOPMed 0.00289; gnomAD 0.00291 and 0.00300.
gnomAD v4.1: 7,353 of 1,613,840 alleles (0.46%); highest among the groups gnomAD compares: Non-Finnish European, 0.55%; 21 homozygotes.

Submissions (10):

Labcorp Genetics (formerly Invitae), Labcorp
Classification: Benign. Last evaluated: 2026-02-04. Review status: criteria provided, single submitter. Criteria: Invitae Variant Classification Sherloc (09022015). Collection method: clinical testing. Allele origin: germline.

Mayo Clinic Laboratories, Mayo Clinic
Classification: Benign. Last evaluated: 2025-09-23. Review status: criteria provided, single submitter. Criteria: ACMG Guidelines, 2015. Collection method: clinical testing. Allele origin: germline. Observed: 4 variant alleles.
Comment: BS1, BS2, BP4, BP7

Blueprint Genetics
Classification: Likely benign. Last evaluated: 2024-11-19. Review status: criteria provided, single submitter. Criteria: ACMG Guidelines, 2015. Collection method: clinical testing. Allele origin: germline.

Genome-Nilou Lab
Classification: Likely benign for Hermansky-Pudlak syndrome 3. Last evaluated: 2021-05-18. Review status: criteria provided, single submitter. Criteria: ACMG Guidelines, 2015. Collection method: clinical testing. Allele origin: germline. Affected: no.

Illumina Laboratory Services, Illumina
Classification: Likely benign for Hermansky-Pudlak syndrome 3. Last evaluated: 2018-01-12. Review status: criteria provided, single submitter. Criteria: ICSL Variant Classification Criteria 13 December 2019. Collection method: clinical testing. Allele origin: germline.
Comment: This variant was observed in the ICSL laboratory as part of a predisposition screen in an ostensibly healthy population. It had not been previously curated by ICSL or reported in the Human Gene Mutation Database (HGMD: prior to June 1st, 2018), and was therefore a candidate for classification through an automated scoring system. Utilizing variant allele frequency, disease prevalence and penetrance estimates, and inheritance mode, an automated score was calculated to assess if this variant is too frequent to cause the disease. Based on the score and internal cut-off values, a variant classified as likely benign is not then subjected to further curation. The score for this variant resulted in a classification of likely benign for this disease.

Laboratory for Molecular Medicine, Mass General Brigham Personalized Medicine
Classification: Benign. Last evaluated: 2013-02-21. Review status: criteria provided, single submitter. Criteria: LMM Criteria. Collection method: clinical testing. Allele origin: germline. Observed: 2 variant alleles.
Comment: Leu685Leu in exon 11 of HPS3: This variant is not expected to have clinical sign ificance because it does not alter an amino acid residue and is not located with in the splice consensus sequence. It has been identified in 0.5% (42/8600) of Eu ropean American chromosomes from a broad population by the NHLBI Exome Sequencin g Project (dbSNP rs140443498).

Breakthrough Genomics
Classification: Likely benign. Review status: criteria provided, single submitter. Criteria: ACMG Guidelines, 2015. Collection method: not provided. Allele origin: germline. Inheritance: Autosomal recessive inheritance. Affected: yes.

Natera, Inc.
Classification: Benign for Hermansky-Pudlak syndrome. Last evaluated: 2020-09-16. Review status: no assertion criteria provided. Collection method: clinical testing. Allele origin: germline. Not counted in ClinVar's aggregate classification.

Clinical Genetics DNA and cytogenetics Diagnostics Lab, Erasmus MC, Erasmus Medical Center
Classification: Likely benign. Review status: no assertion criteria provided. Collection method: clinical testing. Allele origin: germline. Affected: yes. Study: VKGL Data-share Consensus. Not counted in ClinVar's aggregate classification.

Clinical Genetics, Academic Medical Center
Classification: Benign. Review status: no assertion criteria provided. Collection method: clinical testing. Allele origin: germline. Affected: yes. Study: VKGL Data-share Consensus. Not counted in ClinVar's aggregate classification.

NM_032383.5(HPS3):c.2055G>A (p.Leu685=)

Gene: HPS3 (HPS3 biogenesis of lysosomal organelles complex 2 subunit 1; plus strand). Cytogenetic location: 3q24.
Variant type: single nucleotide variant.
Coding change: c.2055G>A on transcript NM_032383.5 (MANE Select); coding-DNA position 2055, G replaced by A.
Protein change: p.Leu685=; no amino-acid change (leucine 685 retained).
Molecular consequence: synonymous variant.
Genome position (GRCh38, 1-based): chr3:149,160,228, G>A. VCF-style: chr3-149160228-G-A. GRCh37 (hg19) VCF-style: chr3-148878015-G-A.
Other names: p.Leu685=; c.1560G>A, p.Leu520= (NM_001308258.2).
Identifiers: ClinVar variation 226653 (VCV000226653.28), dbSNP rs140443498, ClinGen allele CA2660225.